The following is an entry in ClinVar:

ClinVar aggregate classification (germline): Uncertain significance (1 of 4 stars; one submission).

Allele frequency attached by ClinVar (database versions not stated): ExAC 0.00001; gnomAD 0.00001; 1000 Genomes Project 30x 0.00016; 1000 Genomes Project 0.00020.
gnomAD v4.1: 4 of 1,610,038 alleles (0.00025%); highest among the groups gnomAD compares: African/African-American, 0.0027%; no homozygotes.

Submission:

Labcorp Genetics (formerly Invitae), Labcorp
Classification: Uncertain significance. Last evaluated: 2025-01-22. Review status: criteria provided, single submitter. Criteria: Invitae Variant Classification Sherloc (09022015). Collection method: clinical testing. Allele origin: germline.
Comment: This sequence change replaces glutamine, which is neutral and polar, with glutamic acid, which is acidic and polar, at codon 825 of the KMT2B protein (p.Gln825Glu). This variant is present in population databases (rs200726362, gnomAD 0.007%). This variant has not been reported in the literature in individuals affected with KMT2B-related conditions. ClinVar contains an entry for this variant (Variation ID: 1933631). Invitae Evidence Modeling of protein sequence and biophysical properties (such as structural, functional, and spatial information, amino acid conservation, physicochemical variation, residue mobility, and thermodynamic stability) indicates that this missense variant is not expected to disrupt KMT2B protein function with a negative predictive value of 80%. In summary, the available evidence is currently insufficient to determine the role of this variant in disease. Therefore, it has been classified as a Variant of Uncertain Significance.

NM_014727.3(KMT2B):c.2473C>G (p.Gln825Glu)

Gene: KMT2B (lysine methyltransferase 2B; plus strand). Cytogenetic location: 19q13.12.
Variant type: single nucleotide variant.
Coding change: c.2473C>G on transcript NM_014727.3 (MANE Select); coding-DNA position 2473, C replaced by G.
Protein change: p.Gln825Glu; replaces glutamine 825 with glutamic acid.
Molecular consequence: missense variant.
Genome position (GRCh38, 1-based): chr19:35,722,374, C>G. VCF-style: chr19-35722374-C-G. GRCh37 (hg19) VCF-style: chr19-36213276-C-G.
Other names: short protein forms Q825E.
Identifiers: ClinVar variation 1933631 (VCV001933631.5), dbSNP rs200726362, ClinGen allele CA9384463.